The following is an entry in ClinVar:

ClinVar aggregate classification (germline): Uncertain significance (1 of 4 stars; one submission).

Conditions:
Peroxisome biogenesis disorder, complementation group K (CGK). Identifiers: MedGen C1866257, MONDO:0800365.

gnomAD v4.1: 1 of 1,613,982 alleles (0.000062%); highest among the groups gnomAD compares: Non-Finnish European, 0.000085%; no homozygotes.

Submission:

Labcorp Genetics (formerly Invitae), Labcorp
Classification: Uncertain significance for Peroxisome biogenesis disorder, complementation group K. Last evaluated: 2025-07-21. Review status: criteria provided, single submitter. Criteria: Invitae Variant Classification Sherloc (09022015). Collection method: clinical testing. Allele origin: germline.
Comment: This sequence change replaces glutamine, which is neutral and polar, with lysine, which is basic and polar, at codon 242 of the PEX14 protein (p.Gln242Lys). This variant is not present in population databases (gnomAD no frequency). This variant has not been reported in the literature in individuals affected with PEX14-related conditions. Invitae Evidence Modeling of protein sequence and biophysical properties (such as structural, functional, and spatial information, amino acid conservation, physicochemical variation, residue mobility, and thermodynamic stability) indicates that this missense variant is expected to disrupt PEX14 protein function with a positive predictive value of 80%. In summary, the available evidence is currently insufficient to determine the role of this variant in disease. Therefore, it has been classified as a Variant of Uncertain Significance.

NM_004565.3(PEX14):c.724C>A (p.Gln242Lys)

Gene: PEX14 (peroxisomal biogenesis factor 14; plus strand). Cytogenetic location: 1p36.22.
Variant type: single nucleotide variant.
Coding change: c.724C>A on transcript NM_004565.3 (MANE Select); coding-DNA position 724, C replaced by A.
Protein change: p.Gln242Lys; replaces glutamine 242 with lysine.
Molecular consequence: missense variant.
Genome position (GRCh38, 1-based): chr1:10,629,577, C>A. VCF-style: chr1-10629577-C-A. GRCh37 (hg19) VCF-style: chr1-10689634-C-A.
Other names: short protein forms Q242K.
Identifiers: ClinVar variation 4740274 (VCV004740274.1).